The following is an entry in ClinVar:

NM_004004.6(GJB2):c.-22-18T>A

Gene: GJB2 (gap junction protein beta 2; minus strand). Cytogenetic location: 13q12.11.
Variant type: single nucleotide variant.
Coding change: c.-22-18T>A on transcript NM_004004.6 (MANE Select); 18 bases into the intron before 22 bases upstream of the start codon, T replaced by A.
Molecular consequence: intron variant.
Genome position (GRCh38, 1-based): chr13:20,189,621, A>T on the plus strand (T>A on the coding strand, the complement: GJB2 is on the minus strand). VCF-style: chr13-20189621-A-T. GRCh37 (hg19) VCF-style: chr13-20763760-A-T.
Identifiers: ClinVar variation 496216 (VCV000496216.4), dbSNP rs778602324, ClinGen allele CA6904352.
Genomic context (GRCh38, chr13:20,189,621, plus strand): 5'-CTGCAGCGTGCCCCAATCCATCTTCTACTCTGGGCGGTTTGCTCTGGAAAAGACGAATGC[A>T]CACAACACAGGAATCACTAGCTAGGACAGAACAGGGAGACTTCTCTGAGTCTGGGTAAGC-3'

ClinVar aggregate classification (germline): Uncertain significance. Review status: criteria provided, multiple submitters, no conflicts (2 of 4 stars). 3 submissions from 3 submitters: Uncertain significance (2). 1 of the submissions does not count toward it. Last evaluated 2026-06-01.

Conditions:
Autosomal recessive nonsyndromic hearing loss 1A (DFNB1A). Also called: GJB2-Related Autosomal Recessive Nonsyndromic Hearing Loss; GJB6-Related DFNB 1 Nonsyndromic Hearing Loss and Deafness; Connexin 26 deafness; Deafness nonsyndromic, Connexin 26 linked; Nonsyndromic Hearing Loss and Deafness, DFNB1; Deafness, autosomal recessive 1A. Identifiers: Orphanet 90636, MedGen C2673759, MONDO:0009076, OMIM 220290.

Allele frequency attached by ClinVar (database versions not stated): TOPMed 0.00004; gnomAD 0.00005; gnomAD exomes 0.00005 and 0.00006; ExAC 0.00007.
gnomAD v4.1: 100 of 1,562,566 alleles (0.0064%); highest among the groups gnomAD compares: Middle Eastern, 0.019%; 2 homozygotes.

Submissions (3):

CeGaT Center for Human Genetics Tuebingen
Classification: Uncertain significance. Last evaluated: 2026-06-01. Review status: criteria provided, single submitter. Criteria: CeGaT Center For Human Genetics Tuebingen Variant Classification Criteria Version 2. Collection method: clinical testing. Allele origin: germline. Affected: yes. Observed: 1 variant allele.
Comment: GJB2: PP3

Women's Health and Genetics/Laboratory Corporation of America, LabCorp
Classification: Uncertain significance. Last evaluated: 2017-07-03. Review status: criteria provided, single submitter. Criteria: LabCorp Variant Classification Summary - May 2015. Collection method: clinical testing. Allele origin: germline.
Comment: Variant summary: This variant involves a non-conserved nucleotide (40 nt away from exon/intron boundary) and Mutation Taster predicts the variant as polymorphism. 4/5 in silico tools via Alamut predict no significant effect on RNA splicing sites, and ESEfinder predicts a loss of binding motif for splicing enhancer SRp55. Although these predictions have yet to be functionally assessed. The variant was found in the the large control database "gnomAD" at an allele frequency of 16/243636 (0.00657%) which is less than the maximal expected allele frequency for a pathogenic GJB2 variant (2.6%) considering a recessive mode of inheritance. This variant was reported in hearing loss patients in both heterozygous and homozygous status and authors considered this variant with unknown clinical significance. In one unaffected relative who carried the variant of interest, a pathogenic GJB2 variant was also present. The variant has not, to our knowledge, been reported by clinical labs or reputable databases. Due to lack of clinical and functional data, this variant has been classified as a VUS.

Natera, Inc.
Classification: Uncertain significance for Autosomal recessive deafness type 1A. Last evaluated: 2019-10-28. Review status: no assertion criteria provided. Collection method: clinical testing. Allele origin: germline. Not counted in ClinVar's aggregate classification.

Literature cited by the submitters: PubMed 17041943 (cited by Women's Health and Genetics/Laboratory Corporation of America, LabCorp).